The following is an entry in ClinVar:

NM_005956.4(MTHFD1):c.823G>A (p.Val275Ile)

Gene: MTHFD1 (methylenetetrahydrofolate dehydrogenase, cyclohydrolase and formyltetrahydrofolate synthetase 1; plus strand). Cytogenetic location: 14q23.3.
Variant type: single nucleotide variant.
Coding change: c.823G>A on transcript NM_005956.4 (MANE Select); coding-DNA position 823, G replaced by A.
Protein change: p.Val275Ile; replaces valine 275 with isoleucine.
Molecular consequence: missense variant.
Genome position (GRCh38, 1-based): chr14:64,424,899, G>A. VCF-style: chr14-64424899-G-A. GRCh37 (hg19) VCF-style: chr14-64891617-G-A.
Other names: c.823G>A, p.Val275Ile (NM_001364837.1); short protein forms V275I.
Identifiers: ClinVar variation 2051088 (VCV002051088.1), dbSNP rs556906968, ClinGen allele CA7226044.
Genomic context (GRCh38, chr14:64,424,899, plus strand): 5'-GATGTGGCATACGACGAGGCCAAAGAGAGGGCGAGCTTCATCACTCCTGTTCCTGGCGGC[G>A]TAGGGCCCATGACAGTTGCAATGCTCATGCAGGTAATTGTGAATAAAAGTTTCTATAAGA-3'
Protein context (NP_005947.3, residues 265-285): ASFITPVPGG[Val275Ile]GPMTVAMLMQ

ClinVar aggregate classification (germline): Uncertain significance (1 of 4 stars; one submission).

Allele frequency attached by ClinVar (database versions not stated): ExAC 0.00002; gnomAD 0.00013; TOPMed 0.00013; 1000 Genomes Project 0.00020; 1000 Genomes Project 30x 0.00031.
gnomAD v4.1: 44 of 1,614,220 alleles (0.0027%); highest among the groups gnomAD compares: African/African-American, 0.045%; no homozygotes.

Submission:

Labcorp Genetics (formerly Invitae), Labcorp
Classification: Uncertain significance. Last evaluated: 2022-05-04. Review status: criteria provided, single submitter. Criteria: Invitae Variant Classification Sherloc (09022015). Collection method: clinical testing. Allele origin: germline.
Comment: This sequence change replaces valine, which is neutral and non-polar, with isoleucine, which is neutral and non-polar, at codon 275 of the MTHFD1 protein (p.Val275Ile). This variant is present in population databases (rs556906968, gnomAD 0.03%). This variant has not been reported in the literature in individuals affected with MTHFD1-related conditions. Algorithms developed to predict the effect of missense changes on protein structure and function (SIFT, PolyPhen-2, Align-GVGD) all suggest that this variant is likely to be disruptive. In summary, the available evidence is currently insufficient to determine the role of this variant in disease. Therefore, it has been classified as a Variant of Uncertain Significance.